The following is an entry in ClinVar:

ClinVar aggregate classification (germline): Uncertain significance (1 of 4 stars; one submission).

Allele frequency attached by ClinVar (database versions not stated): gnomAD exomes below 0.00001.
gnomAD v4.1: 2 of 1,612,962 alleles (0.00012%); highest among the groups gnomAD compares: Admixed American, 0.0017%; no homozygotes.

Submission:

Labcorp Genetics (formerly Invitae), Labcorp
Classification: Uncertain significance. Last evaluated: 2024-02-24. Review status: criteria provided, single submitter. Criteria: Invitae Variant Classification Sherloc (09022015). Collection method: clinical testing. Allele origin: germline.
Comment: This sequence change replaces phenylalanine, which is neutral and non-polar, with isoleucine, which is neutral and non-polar, at codon 482 of the CHUK protein (p.Phe482Ile). This variant is not present in population databases (gnomAD no frequency). This variant has not been reported in the literature in individuals affected with CHUK-related conditions. ClinVar contains an entry for this variant (Variation ID: 1942914). An algorithm developed to predict the effect of missense changes on protein structure and function (PolyPhen-2) suggests that this variant is likely to be tolerated. In summary, the available evidence is currently insufficient to determine the role of this variant in disease. Therefore, it has been classified as a Variant of Uncertain Significance.

NM_001278.5(CHUK):c.1444T>A (p.Phe482Ile)

Gene: CHUK (component of inhibitor of nuclear factor kappa B kinase complex; minus strand). Cytogenetic location: 10q24.31.
Variant type: single nucleotide variant.
Coding change: c.1444T>A on transcript NM_001278.5 (MANE Select); coding-DNA position 1444, T replaced by A.
Protein change: p.Phe482Ile; replaces phenylalanine 482 with isoleucine.
Molecular consequence: missense variant.
Genome position (GRCh38, 1-based): chr10:100,204,569, A>T on the plus strand (T>A on the coding strand, the complement: CHUK is on the minus strand). VCF-style: chr10-100204569-A-T. GRCh37 (hg19) VCF-style: chr10-101964326-A-T.
Other names: c.1444T>A, p.Phe482Ile (NM_001320928.2); short protein forms F482I.
Identifiers: ClinVar variation 1942914 (VCV001942914.5), dbSNP rs2493043109, ClinGen allele CA378151193.